The following is an entry in ClinVar:

NM_000334.4(SCN4A):c.2155A>G (p.Met719Val)

Genes: GH-LCR (growth hormone locus control region; plus strand), SCN4A (sodium voltage-gated channel alpha subunit 4; minus strand). Cytogenetic location: 17q23.3.
Variant type: single nucleotide variant.
Coding change: c.2155A>G on transcript NM_000334.4 (MANE Select); coding-DNA position 2155, A replaced by G.
Protein change: p.Met719Val; replaces methionine 719 with valine.
Molecular consequence: missense variant.
Genome position (GRCh38, 1-based): chr17:63,957,383, T>C on the plus strand (A>G on the coding strand, the complement: SCN4A is on the minus strand). VCF-style: chr17-63957383-T-C. GRCh37 (hg19) VCF-style: chr17-62034743-T-C.
Other names: short protein forms M719V.
Identifiers: ClinVar variation 2505985 (VCV002505985.4), dbSNP rs2509305378, ClinGen allele CA400630936.
Genomic context (GRCh38, chr17:63,957,383, plus strand): 5'-GGTTGCAGTCCAAGGCAATCTTGCACACGCACTCCTTGTAGCTCTTGCCAAACAGCTGCA[T>C]GCCCACCACGGCGAAGATGAACACGATGATAGCCAGCACCAGCGTCAGGTTACCCAGCGC-3'
Protein context (NP_000325.4, residues 709-729): IIVFIFAVVG[Met719Val]QLFGKSYKEC

ClinVar aggregate classification (germline): Uncertain significance. Review status: criteria provided, multiple submitters, no conflicts (2 of 4 stars). 2 submissions from 2 submitters: Uncertain significance (2). Last evaluated 2023-06-20.

Conditions:
Hyperkalemic periodic paralysis. Also called: Familial hyperkalemic periodic paralysis; Gamstorp disease. Identifiers: Orphanet 682, MedGen C0238357, MONDO:0008224, OMIM 170500, HP:0007215.

Submissions (2):

Labcorp Genetics (formerly Invitae), Labcorp
Classification: Uncertain significance for Hyperkalemic periodic paralysis. Last evaluated: 2023-06-20. Review status: criteria provided, single submitter. Criteria: Invitae Variant Classification Sherloc (09022015). Collection method: clinical testing. Allele origin: germline.
Comment: In summary, the available evidence is currently insufficient to determine the role of this variant in disease. Therefore, it has been classified as a Variant of Uncertain Significance. Advanced modeling of protein sequence and biophysical properties (such as structural, functional, and spatial information, amino acid conservation, physicochemical variation, residue mobility, and thermodynamic stability) has been performed at Invitae for this missense variant, however the output from this modeling did not meet the statistical confidence thresholds required to predict the impact of this variant on SCN4A protein function. This variant has not been reported in the literature in individuals affected with SCN4A-related conditions. This variant is not present in population databases (gnomAD no frequency). This sequence change replaces methionine, which is neutral and non-polar, with valine, which is neutral and non-polar, at codon 719 of the SCN4A protein (p.Met719Val).

GeneDx
Classification: Uncertain significance. Last evaluated: 2022-12-14. Review status: criteria provided, single submitter. Criteria: GeneDx Variant Classification Process June 2021. Collection method: clinical testing. Allele origin: germline. Affected: yes.
Comment: Not observed at significant frequency in large population cohorts (gnomAD); In silico analysis supports that this missense variant has a deleterious effect on protein structure/function; Has not been previously published as pathogenic or benign to our knowledge